The following is an entry in ClinVar:

NM_001367721.1(CASK):c.1034-1G>C

Gene: CASK (calcium/calmodulin dependent serine protein kinase; minus strand). Cytogenetic location: Xp11.4.
Variant type: single nucleotide variant.
Coding change: c.1034-1G>C on transcript NM_001367721.1 (MANE Select); the canonical splice acceptor site of the intron before coding-DNA position 1034, G replaced by C.
Molecular consequence: splice acceptor variant.
Genome position (GRCh38, 1-based): chrX:41,610,026, C>G on the plus strand (G>C on the coding strand, the complement: CASK is on the minus strand). VCF-style: chrX-41610026-C-G. GRCh37 (hg19) VCF-style: chrX-41469279-C-G.
Other names: c.1016-1G>C (NM_001126055.3, NM_001410745.1); c.1034-1G>C (NM_001126054.3, NM_003688.4).
Identifiers: ClinVar variation 3389732 (VCV003389732.14).

ClinVar aggregate classification (germline): Uncertain significance (1 of 4 stars; one submission).

Submission:

CeGaT Center for Human Genetics Tuebingen
Classification: Uncertain significance. Last evaluated: 2025-03-01. Review status: criteria provided, single submitter. Criteria: CeGaT Center For Human Genetics Tuebingen Variant Classification Criteria Version 2. Collection method: clinical testing. Allele origin: germline. Affected: yes. Observed: 2 variant alleles.
Comment: CASK: PM2, PVS1:Moderate